The following is an entry in ClinVar:

ClinVar aggregate classification (germline): Uncertain significance. Review status: criteria provided, multiple submitters, no conflicts (2 of 4 stars). 4 submissions from 4 submitters: Uncertain significance (3). 1 of the submissions does not count toward it. Last evaluated 2023-12-21.

Conditions:
Cardiovascular phenotype. Identifiers: MedGen CN230736.
Hypercholesterolemia, familial, 4 (FHCL4). Also called: HYPERCHOLESTEROLEMIA, AUTOSOMAL RECESSIVE, 1; HYPERCHOLESTEROLEMIA, AUTOSOMAL RECESSIVE, 2. Identifiers: Orphanet 391665, MedGen C1863512, MONDO:0011374, OMIM 603813.
Familial hypercholesterolemia. Also called: Familial hypercholesterolaemia; Familial hypercholesterolemias. Identifiers: MedGen C0020445, MONDO:0005439.

Allele frequency attached by ClinVar (database versions not stated): gnomAD exomes 0.00001 and below 0.00001; TOPMed below 0.00001; ExAC 0.00001; gnomAD 0.00001.
gnomAD v4.1: 10 of 1,612,736 alleles (0.00062%); highest among the groups gnomAD compares: South Asian, 0.0033%; no homozygotes.

Submissions (4):

Ambry Genetics
Classification: Uncertain significance for Cardiovascular phenotype. Last evaluated: 2023-12-21. Review status: criteria provided, single submitter. Criteria: Ambry Variant Classification Scheme 2023. Collection method: clinical testing. Allele origin: germline.
Comment: The p.I113M variant (also known as c.339A>G), located in coding exon 3 of the LDLRAP1 gene, results from an A to G substitution at nucleotide position 339. The isoleucine at codon 113 is replaced by methionine, an amino acid with highly similar properties. This amino acid position is conserved. In addition, the in silico prediction for this alteration is inconclusive. Since supporting evidence is limited at this time, the clinical significance of this alteration remains unclear.

Genome-Nilou Lab
Classification: Uncertain significance for Hypercholesterolemia, familial, 4. Last evaluated: 2023-04-11. Review status: criteria provided, single submitter. Criteria: ACMG Guidelines, 2015. Collection method: clinical testing. Allele origin: germline. Affected: no.

Women's Health and Genetics/Laboratory Corporation of America, LabCorp
Classification: Uncertain significance. Last evaluated: 2020-12-21. Review status: criteria provided, single submitter. Criteria: LabCorp Variant Classification Summary - May 2015. Collection method: clinical testing. Allele origin: germline.
Comment: Variant summary: LDLRAP1 c.339A>G (p.Ile113Met) results in a conservative amino acid change located in the PTB/PI domain (IPR006020) of the encoded protein sequence. Three of five in-silico tools predict a damaging effect of the variant on protein function. The variant allele was found at a frequency of 4e-06 in 251170 control chromosomes (gnomAD). The available data on variant occurrences in the general population are insufficient to allow any conclusion about variant significance. To our knowledge, no occurrence of c.339A>G in individuals affected with Familial Hypercholesterolemia and no experimental evidence demonstrating its impact on protein function have been reported. No clinical diagnostic laboratories have submitted clinical-significance assessments for this variant to ClinVar after 2014. Based on the evidence outlined above, the variant was classified as uncertain significance.

Natera, Inc.
Classification: Uncertain significance for Familial hypercholesterolemia. Last evaluated: 2020-02-26. Review status: no assertion criteria provided. Collection method: clinical testing. Allele origin: germline. Not counted in ClinVar's aggregate classification.

NM_015627.3(LDLRAP1):c.339A>G (p.Ile113Met)

Gene: LDLRAP1 (low density lipoprotein receptor adaptor protein 1; plus strand). Cytogenetic location: 1p36.11.
Variant type: single nucleotide variant.
Coding change: c.339A>G on transcript NM_015627.3 (MANE Select); coding-DNA position 339, A replaced by G.
Protein change: p.Ile113Met; replaces isoleucine 113 with methionine.
Molecular consequence: missense variant.
Genome position (GRCh38, 1-based): chr1:25,554,967, A>G. VCF-style: chr1-25554967-A-G. GRCh37 (hg19) VCF-style: chr1-25881458-A-G.
Other names: short protein forms I113M.
Identifiers: ClinVar variation 992479 (VCV000992479.5), dbSNP rs780582666, ClinGen allele CA695503.
Genomic context (GRCh38, chr1:25,554,967, plus strand): 5'-GCCACGGGGAATTATCCTGACAGACAACCTCACCAACCAGCTCATTGAGAACGTGTCCAT[A>G]TACAGGTACGCTCAGCATGGGGTTGGCCCATCCACTCTGCCACTTGGGGCAGTGGGTGGA-3'
Protein context (NP_056442.2, residues 103-123): LTNQLIENVS[Ile113Met]YRISYCTADK